The following is an entry in ClinVar:

NM_000059.4(BRCA2):c.632-16A>C

Gene: BRCA2 (BRCA2 DNA repair associated; plus strand). Cytogenetic location: 13q13.1.
Variant type: single nucleotide variant.
Coding change: c.632-16A>C on transcript NM_000059.4 (MANE Select); 16 bases into the intron before coding-DNA position 632, A replaced by C.
Molecular consequence: intron variant.
Genome position (GRCh38, 1-based): chr13:32,329,427, A>C. VCF-style: chr13-32329427-A-C. GRCh37 (hg19) VCF-style: chr13-32903564-A-C.
Other names: IVS7-16A>C.
Identifiers: ClinVar variation 38036 (VCV000038036.24), dbSNP rs81002905, ClinGen allele CA023876.

ClinVar aggregate classification (germline): Benign/Likely benign. Review status: criteria provided, multiple submitters, no conflicts (2 of 4 stars). 9 submissions from 9 submitters: Benign (2); Likely benign (3). 4 of the submissions do not count toward it. Last evaluated 2025-10-25.

Conditions:
Hereditary breast ovarian cancer syndrome. Also called: Hereditary breast and/or ovarian cancer syndrome; Breast and ovarian cancer; BRCA1- and BRCA2-Associated Hereditary Breast and Ovarian Cancer; Hereditary breast and ovarian cancer; Hereditary breast and ovarian cancer syndrome; Hereditary breast and ovarian cancer syndrome (HBOC). Identifiers: Orphanet 145, MedGen C0677776, MeSH D061325, MONDO:0003582. Disease mechanism: loss of function.
Breast-ovarian cancer, familial, susceptibility to, 2 (BROVCA2). Also called: BRCA2 Hereditary Breast and Ovarian Cancer. Identifiers: Orphanet 145, MedGen C2675520, MONDO:0012933, OMIM 612555. Disease mechanism: loss of function.

Allele frequency attached by ClinVar (database versions not stated): gnomAD exomes 0.00001; gnomAD 0.00002 and 0.00003; TOPMed 0.00003.
gnomAD v4.1: 13 of 1,576,212 alleles (0.00082%); highest among the groups gnomAD compares: Middle Eastern, 0.017%; no homozygotes.

Submissions (9):

Labcorp Genetics (formerly Invitae), Labcorp
Classification: Benign for Hereditary breast ovarian cancer syndrome. Last evaluated: 2025-10-25. Review status: criteria provided, single submitter. Criteria: Invitae Variant Classification Sherloc (09022015). Collection method: clinical testing. Allele origin: germline.

ARUP Laboratories, Molecular Genetics and Genomics, ARUP Laboratories
Classification: Likely benign. Last evaluated: 2025-02-03. Review status: criteria provided, single submitter. Criteria: ARUP Molecular Germline Variant Investigation Process 2024. Collection method: clinical testing. Allele origin: germline.

Blueprint Genetics
Classification: Likely benign. Last evaluated: 2024-07-08. Review status: criteria provided, single submitter. Criteria: ACMG Guidelines, 2015. Collection method: clinical testing. Allele origin: germline.

Women's Health and Genetics/Laboratory Corporation of America, LabCorp
Classification: Likely benign. Last evaluated: 2024-02-26. Review status: criteria provided, single submitter. Criteria: LabCorp Variant Classification Summary - May 2015. Collection method: clinical testing. Allele origin: germline.
Comment: Variant summary: BRCA2 c.632-16A>C alters a nucleotide located at a position not widely known to affect splicing. Several computational tools predict a significant impact on normal splicing: Two predict the variant strengthens a 3' acceptor site. The variant allele was found at a frequency of 8.3e-06 in 239796 control chromosomes. The available data on variant occurrences in the general population are insufficient to allow any conclusion about variant significance. c.632-16A>C has been reported in the literature in individuals affected with Hereditary Breast And Ovarian Cancer Syndrome (e.g. Thomassen_2011, Caux-Moncoutier_2011, Infante_2006, and Velasco_2005). These reports do not provide unequivocal conclusions about association of the variant with Hereditary Breast And Ovarian Cancer Syndrome. To our knowledge, no experimental evidence demonstrating an impact on protein function has been reported. The following publications have been ascertained in the context of this evaluation (PMID: 15937982, 16758124, 21120943, 21769658, 31343793). ClinVar contains an entry for this variant (Variation ID: 38036). Based on the evidence outlined above, the variant was classified as likely benign.

GeneDx
Classification: Benign. Last evaluated: 2015-03-03. Review status: criteria provided, single submitter. Criteria: GeneDx Variant Classification Process June 2021. Collection method: clinical testing. Allele origin: germline. Affected: yes.

Hereditary Cancer Genetics group, Vall d'Hebron Institute of Oncology
Classification: Benign for Hereditary breast and ovarian cancer syndrome. Last evaluated: 2019-03-01. Review status: no assertion criteria provided. Collection method: research. Allele origin: germline. Affected: yes. Not counted in ClinVar's aggregate classification.

Counsyl
Classification: Likely benign for Breast-ovarian cancer, familial, susceptibility to, 2. Last evaluated: 2017-07-25. Review status: no assertion criteria provided. Collection method: clinical testing. Allele origin: unknown. Not counted in ClinVar's aggregate classification.

Sharing Clinical Reports Project (SCRP)
Classification: Benign for Breast-ovarian cancer, familial 2. Last evaluated: 2012-05-02. Review status: no assertion criteria provided. Collection method: clinical testing. Allele origin: germline. Not counted in ClinVar's aggregate classification.

Breast Cancer Information Core (BIC) (BRCA2)
Classification: Uncertain significance for Breast-ovarian cancer, familial 2. Last evaluated: 2002-05-29. Review status: no assertion criteria provided. Collection method: clinical testing. Allele origin: germline. Affected: yes. Observed: 3 variant alleles. Not counted in ClinVar's aggregate classification.

Literature cited by the submitters: PubMed 15937982 (cited by Women's Health and Genetics/Laboratory Corporation of America, LabCorp and Counsyl); PubMed 16758124 (cited by Women's Health and Genetics/Laboratory Corporation of America, LabCorp); PubMed 21120943 (cited by Women's Health and Genetics/Laboratory Corporation of America, LabCorp and Counsyl); PubMed 21769658 (cited by Women's Health and Genetics/Laboratory Corporation of America, LabCorp and Counsyl); PubMed 31343793 (cited by Women's Health and Genetics/Laboratory Corporation of America, LabCorp); PubMed 30472649 (cited by Hereditary Cancer Genetics group, Vall d'Hebron Institute of Oncology); PubMed 26913838 (cited by Counsyl).